The following is an entry in ClinVar:

ClinVar aggregate classification (germline): Uncertain significance (1 of 4 stars; one submission).

Conditions:
Gastrointestinal stromal tumor. Also called: Gastrointestinal stroma tumor; Gastrointestinal stromal tumor, somatic. Identifiers: Orphanet 44890, MedGen C0238198, MeSH D046152, MONDO:0011719, OMIM 606764, HP:0100723.

Submission:

Labcorp Genetics (formerly Invitae), Labcorp
Classification: Uncertain significance for Gastrointestinal stromal tumor. Last evaluated: 2024-05-06. Review status: criteria provided, single submitter. Criteria: Invitae Variant Classification Sherloc (09022015). Collection method: clinical testing. Allele origin: germline.
Comment: This sequence change replaces serine, which is neutral and polar, with asparagine, which is neutral and polar, at codon 89 of the PDGFRA protein (p.Ser89Asn). This variant is not present in population databases (gnomAD no frequency). This variant has not been reported in the literature in individuals affected with PDGFRA-related conditions. ClinVar contains an entry for this variant (Variation ID: 2015371). Algorithms developed to predict the effect of missense changes on protein structure and function output the following: SIFT: "Not Available"; PolyPhen-2: "Benign"; Align-GVGD: "Not Available". The asparagine amino acid residue is found in multiple mammalian species, which suggests that this missense change does not adversely affect protein function. In summary, the available evidence is currently insufficient to determine the role of this variant in disease. Therefore, it has been classified as a Variant of Uncertain Significance.

NM_006206.6(PDGFRA):c.266G>A (p.Ser89Asn)

Gene: PDGFRA (platelet derived growth factor receptor alpha; plus strand). Cytogenetic location: 4q12.
Variant type: single nucleotide variant.
Coding change: c.266G>A on transcript NM_006206.6 (MANE Select); coding-DNA position 266, G replaced by A.
Protein change: p.Ser89Asn; replaces serine 89 with asparagine.
Molecular consequence: missense variant.
Genome position (GRCh38, 1-based): chr4:54,261,311, G>A. VCF-style: chr4-54261311-G-A. GRCh37 (hg19) VCF-style: chr4-55127478-G-A.
Other names: c.266G>A, p.Ser89Asn (NM_001347827.2, NM_001347829.2); c.341G>A, p.Ser114Asn (NM_001347828.2); c.305G>A, p.Ser102Asn (NM_001347830.2); short protein forms S89N, S102N, S114N.
Identifiers: ClinVar variation 2015371 (VCV002015371.4), dbSNP rs2475422889, ClinGen allele CA356888711.